The following is an entry in ClinVar:

NM_001044385.3(TMEM237):c.75-226G>A

Gene: TMEM237 (transmembrane protein 237; minus strand). Cytogenetic location: 2q33.1.
Variant type: single nucleotide variant.
Coding change: c.75-226G>A on transcript NM_001044385.3 (MANE Select); 226 bases into the intron before coding-DNA position 75, G replaced by A.
Molecular consequence: intron variant.
Genome position (GRCh38, 1-based): chr2:201,640,491, C>T on the plus strand (G>A on the coding strand, the complement: TMEM237 is on the minus strand). VCF-style: chr2-201640491-C-T. GRCh37 (hg19) VCF-style: chr2-202505214-C-T.
Other names: c.51-226G>A (NM_152388.4).
Identifiers: ClinVar variation 677786 (VCV000677786.1), dbSNP rs115026960, ClinGen allele CA63961222.

ClinVar aggregate classification (germline): Likely benign (1 of 4 stars; one submission).

Allele frequency attached by ClinVar (database versions not stated): 1000 Genomes Project 30x 0.00437; 1000 Genomes Project 0.00479; gnomAD 0.01279 and 0.01314; TOPMed 0.01303.
gnomAD v4.1: 1,922 of 152,096 alleles (1.3%); highest among the groups gnomAD compares: Middle Eastern, 2.4%; 17 homozygotes.

Submission:

GeneDx
Classification: Likely benign. Last evaluated: 2018-06-16. Review status: criteria provided, single submitter. Criteria: GeneDx Variant Classification (06012015). Collection method: clinical testing. Allele origin: germline. Affected: yes.
Comment: This variant is considered likely benign or benign based on one or more of the following criteria: it is a conservative change, it occurs at a poorly conserved position in the protein, it is predicted to be benign by multiple in silico algorithms, and/or has population frequency not consistent with disease.